The following is an entry in ClinVar:

ClinVar aggregate classification (germline): Uncertain significance (1 of 4 stars; one submission).

Submission:

Labcorp Genetics (formerly Invitae), Labcorp
Classification: Uncertain significance. Last evaluated: 2022-05-16. Review status: criteria provided, single submitter. Criteria: Invitae Variant Classification Sherloc (09022015). Collection method: clinical testing. Allele origin: germline.
Comment: This variant has not been reported in the literature in individuals affected with HPCA-related conditions. This sequence change replaces methionine, which is neutral and non-polar, with leucine, which is neutral and non-polar, at codon 102 of the HPCA protein (p.Met102Leu). This variant is not present in population databases (gnomAD no frequency). Algorithms developed to predict the effect of missense changes on protein structure and function (SIFT, PolyPhen-2, Align-GVGD) all suggest that this variant is likely to be tolerated. In summary, the available evidence is currently insufficient to determine the role of this variant in disease. Therefore, it has been classified as a Variant of Uncertain Significance.

NM_002143.3(HPCA):c.304A>C (p.Met102Leu)

Gene: HPCA (hippocalcin; plus strand). Cytogenetic location: 1p35.1.
Variant type: single nucleotide variant.
Coding change: c.304A>C on transcript NM_002143.3 (MANE Select); coding-DNA position 304, A replaced by C.
Protein change: p.Met102Leu; replaces methionine 102 with leucine.
Molecular consequence: missense variant.
Genome position (GRCh38, 1-based): chr1:32,889,202, A>C. VCF-style: chr1-32889202-A-C. GRCh37 (hg19) VCF-style: chr1-33354803-A-C.
Other names: short protein forms M102L.
Identifiers: ClinVar variation 2072652 (VCV002072652.4), dbSNP rs1432621466, ClinGen allele CA339680786.